The following is an entry in ClinVar:

NM_002150.3(HPD):c.1097C>A (p.Ser366Ter)

Genes: HPD (4-hydroxyphenylpyruvate dioxygenase; minus strand), TIALD (transcript inducer of AURKA lysosomal degradation; plus strand). Cytogenetic location: 12q24.31.
Variant type: single nucleotide variant.
Coding change: c.1097C>A on transcript NM_002150.3 (MANE Select); coding-DNA position 1097, C replaced by A.
Protein change: p.Ser366Ter; replaces serine 366 with a stop codon.
Molecular consequence: nonsense.
Genome position (GRCh38, 1-based): chr12:121,839,813, G>T on the plus strand (C>A on the coding strand, the complement: HPD is on the minus strand). VCF-style: chr12-121839813-G-T. GRCh37 (hg19) VCF-style: chr12-122277719-G-T.
Other names: c.980C>A, p.Ser327Ter (NM_001171993.2); short protein forms S366*, S327*.
Identifiers: ClinVar variation 1358385 (VCV001358385.8), dbSNP rs369037617, ClinGen allele CA244667641.

ClinVar aggregate classification (germline): Uncertain significance (1 of 4 stars; one submission).

Conditions:
Hawkinsinuria. Identifiers: Orphanet 2118, MedGen C2931042, MONDO:0007700, OMIM 140350, HP:0034457.
Tyrosinemia type III. Also called: Tyrosinemia type 3; 4-alpha hydroxyphenylpyruvic acid oxidase deficiency; 4-alpha hydroxyphenylpyruvate dioxygenase deficiency; 4-Hydroxyphenylpyruvate dioxygenase deficiency; 4-HYDROXYPHENYLPYRUVIC ACID OXIDASE DEFICIENCY. Identifiers: Orphanet 69723, MedGen C0268623, MONDO:0010162, OMIM 276710.

Allele frequency attached by ClinVar (database versions not stated): TOPMed below 0.00001; ESP Exome Variant Server 0.00008.

Submission:

Labcorp Genetics (formerly Invitae), Labcorp
Classification: Uncertain significance for Tyrosinemia type III; Hawkinsinuria. Last evaluated: 2020-12-21. Review status: criteria provided, single submitter. Criteria: Invitae Variant Classification Sherloc (09022015). Collection method: clinical testing. Allele origin: germline.
Comment: In summary, the available evidence is currently insufficient to determine the role of this variant in disease. Therefore, it has been classified as a Variant of Uncertain Significance. This variant disrupts a region of the protein in which other variant(s) (p.Glu374Lys) have been observed in individuals with HPD-related conditions (Invitae). This suggests that this may be a clinically significant region of the HPD protein. Experimental studies and prediction algorithms are not available or were not evaluated, and the functional significance of this variant is currently unknown. This variant has not been reported in the literature in individuals with HPD-related conditions. This variant is not present in population databases (ExAC no frequency). This sequence change creates a premature translational stop signal (p.Ser366*) in the HPD gene. While this is not anticipated to result in nonsense mediated decay, it is expected to disrupt the last 28 amino acid(s) of the HPD protein.